The following is an entry in ClinVar:

NM_000308.4(CTSA):c.1-2A>G

Gene: CTSA (cathepsin A; plus strand). Cytogenetic location: 20q13.12.
Variant type: single nucleotide variant.
Coding change: c.1-2A>G on transcript NM_000308.4 (MANE Select); the canonical splice acceptor site of the intron before coding-DNA position 1, A replaced by G.
Molecular consequence: splice acceptor variant.
Genome position (GRCh38, 1-based): chr20:45,891,567, A>G. VCF-style: chr20-45891567-A-G. GRCh37 (hg19) VCF-style: chr20-44520206-A-G.
Other names: c.1-2A>G (NM_001127695.3, NM_001167594.3).
Identifiers: ClinVar variation 1456631 (VCV001456631.7), dbSNP rs979557944, ClinGen allele CA315658703.

ClinVar aggregate classification (germline): Pathogenic/Likely pathogenic. Review status: criteria provided, multiple submitters, no conflicts (2 of 4 stars). 2 submissions from 2 submitters: Pathogenic (1); Likely pathogenic (1). Last evaluated 2025-11-12.

Conditions:
Combined deficiency of sialidase AND beta galactosidase (GSL). Also called: GOLDBERG SYNDROME; NEURAMINIDASE DEFICIENCY WITH BETA-GALACTOSIDASE DEFICIENCY; NEURAMINIDASE/BETA-GALACTOSIDASE EXPRESSION; PPCA DEFICIENCY; PROTECTIVE PROTEIN/CATHEPSIN A DEFICIENCY; CATHEPSIN A DEFICIENCY. Identifiers: Orphanet 351, MedGen C0268233, MONDO:0009737, OMIM 256540.

Allele frequency attached by ClinVar (database versions not stated): gnomAD exomes 0.00001; gnomAD 0.00004.
gnomAD v4.1: 10 of 1,603,066 alleles (0.00062%); highest among the groups gnomAD compares: African/African-American, 0.013%; no homozygotes.

Submissions (2):

Women's Health and Genetics/Laboratory Corporation of America, LabCorp
Classification: Likely pathogenic for Combined deficiency of sialidase AND beta galactosidase. Last evaluated: 2025-11-12. Review status: criteria provided, single submitter. Criteria: LabCorp Variant Classification Summary - May 2015. Collection method: clinical testing. Allele origin: germline.
Comment: Variant summary: CTSA c.1-2A>G is located in a canonical splice-site and is predicted to affect mRNA splicing resulting in a significantly altered protein due to either exon skipping, shortening, or inclusion of intronic material. Variants that disrupt the consensus splice site are a relatively common cause of aberrant splicing and loss of CTSA function. The variant allele was found at a frequency of 8.9e-06 in 225168 control chromosomes. c.1-2A>G has been observed in individual(s) affected with Galactosialidosis, including at least 1 family where it segregated with disease (example, Labcorp Genetics (formerly Invitae)). These data indicate that the variant may be associated with disease. To our knowledge, no experimental evidence demonstrating an impact on protein function has been reported. ClinVar contains an entry for this variant (Variation ID: 1456631). Based on the evidence outlined above, the variant was classified as likely pathogenic.

Labcorp Genetics (formerly Invitae), Labcorp
Classification: Pathogenic for Combined deficiency of sialidase AND beta galactosidase. Last evaluated: 2024-02-24. Review status: criteria provided, single submitter. Criteria: Invitae Variant Classification Sherloc (09022015). Collection method: clinical testing. Allele origin: germline.
Comment: This sequence change affects an acceptor splice site in intron 1 of the CTSA gene. It is expected to disrupt RNA splicing. Variants that disrupt the donor or acceptor splice site typically lead to a loss of protein function (PMID: 16199547), and loss-of-function variants in CTSA are known to be pathogenic (PMID: 15110321, 23915561). This variant is present in population databases (no rsID available, gnomAD 0.03%). Disruption of this splice site has been observed in individual(s) with clinical features of galactosialidosis (Invitae). In at least one individual the data is consistent with being in trans (on the opposite chromosome) from a pathogenic variant. It has also been observed to segregate with disease in related individuals. ClinVar contains an entry for this variant (Variation ID: 1456631). Algorithms developed to predict the effect of sequence changes on RNA splicing suggest that this variant may disrupt the consensus splice site. For these reasons, this variant has been classified as Pathogenic.

Literature cited by the submitters: PubMed 16199547 (cited by Labcorp Genetics (formerly Invitae), Labcorp); PubMed 15110321 (cited by Labcorp Genetics (formerly Invitae), Labcorp); PubMed 23915561 (cited by Labcorp Genetics (formerly Invitae), Labcorp).